The following is an entry in ClinVar:

ClinVar aggregate classification (germline): Uncertain significance (1 of 4 stars; one submission).

Allele frequency attached by ClinVar (database versions not stated): TOPMed below 0.00001; gnomAD 0.00003; gnomAD exomes 0.00005 and 0.00009; ExAC 0.00012; 1000 Genomes Project 30x 0.00016; 1000 Genomes Project 0.00020.
gnomAD v4.1: 84 of 1,613,936 alleles (0.0052%); highest among the groups gnomAD compares: South Asian, 0.089%; no homozygotes.

Submission:

Labcorp Genetics (formerly Invitae), Labcorp
Classification: Uncertain significance. Last evaluated: 2022-11-15. Review status: criteria provided, single submitter. Criteria: Invitae Variant Classification Sherloc (09022015). Collection method: clinical testing. Allele origin: germline.
Comment: In summary, the available evidence is currently insufficient to determine the role of this variant in disease. Therefore, it has been classified as a Variant of Uncertain Significance. Algorithms developed to predict the effect of missense changes on protein structure and function output the following: SIFT: "Tolerated"; PolyPhen-2: "Benign"; Align-GVGD: "Class C0". The lysine amino acid residue is found in multiple mammalian species, which suggests that this missense change does not adversely affect protein function. ClinVar contains an entry for this variant (Variation ID: 1429598). This variant has not been reported in the literature in individuals affected with ITGAM-related conditions. This variant is present in population databases (rs541157999, gnomAD 0.07%), and has an allele count higher than expected for a pathogenic variant. This sequence change replaces arginine, which is basic and polar, with lysine, which is basic and polar, at codon 909 of the ITGAM protein (p.Arg909Lys).

NM_000632.4(ITGAM):c.2726G>A (p.Arg909Lys)

Gene: ITGAM (integrin subunit alpha M; plus strand). Cytogenetic location: 16p11.2.
Variant type: single nucleotide variant.
Coding change: c.2726G>A on transcript NM_000632.4 (MANE Select); coding-DNA position 2726, G replaced by A.
Protein change: p.Arg909Lys; replaces arginine 909 with lysine.
Molecular consequence: missense variant.
Genome position (GRCh38, 1-based): chr16:31,328,164, G>A. VCF-style: chr16-31328164-G-A. GRCh37 (hg19) VCF-style: chr16-31339485-G-A.
Other names: c.2729G>A, p.Arg910Lys (NM_001145808.2); short protein forms R909K, R910K.
Identifiers: ClinVar variation 1429598 (VCV001429598.8), dbSNP rs541157999, ClinGen allele CA8025952.